The following is an entry in ClinVar:

NM_000540.3(RYR1):c.9096T>A (p.Ser3032=)

Gene: RYR1 (ryanodine receptor 1; plus strand). Cytogenetic location: 19q13.2.
Variant type: single nucleotide variant.
Coding change: c.9096T>A on transcript NM_000540.3 (MANE Select); coding-DNA position 9096, T replaced by A.
Protein change: p.Ser3032=; no amino-acid change (serine 3032 retained).
Molecular consequence: synonymous variant.
Genome position (GRCh38, 1-based): chr19:38,510,755, T>A. VCF-style: chr19-38510755-T-A. GRCh37 (hg19) VCF-style: chr19-39001395-T-A.
Other names: c.9096T>A, p.Ser3032= (NM_001042723.2).
Identifiers: ClinVar variation 890581 (VCV000890581.14), dbSNP rs144067910, ClinGen allele CA073142.
Genomic context (GRCh38, chr19:38,510,755, plus strand): 5'-CCACTGCCTCTATTTCTTGTCCACTCCGGCTAAAGTGCTGGGCAGCGGTGGCCACGCCTC[T>A]AACAAGGAGAAGGAAATGATCACCAGGTGGGCCGCCTGTGACCCTGGACCCAGCCCCCTG-3'
Protein context (NP_000531.2, residues 3022-3042): AKVLGSGGHA[Ser3032=]NKEKEMITSL

ClinVar aggregate classification (germline): Conflicting classifications of pathogenicity. Review status: criteria provided, conflicting classifications (1 of 4 stars). 6 submissions from 4 submitters: Uncertain significance (3); Likely benign (3). Last evaluated 2024-03-07.

Conditions:
RYR1-related disorder. Also called: RYR1-related condition; RYR1-related disorders. Identifiers: MedGen CN239331.
Malignant hyperthermia, susceptibility to, 1 (MHS1). Also called: Anesthesia related hyperthermia; Malignant hyperpyrexia; Fulminating hyperpyrexia; Pharmacogenic myopathy; RYR1-Related Malignant Hyperthermia Susceptibility; Malignant hyperthermia suceptibility 1. Identifiers: Orphanet 423, MedGen C2930980, MONDO:0007783, OMIM 145600.
Central core myopathy (CMYO1A). Also called: CONGENITAL MYOPATHY 1A, AUTOSOMAL DOMINANT, WITH SUSCEPTIBILITY TO MALIGNANT HYPERTHERMIA; Central core disease; Myopathy, central fibrillar. Identifiers: Orphanet 597, MedGen C5830701, MONDO:0007294, OMIM 117000.
Congenital multicore myopathy with external ophthalmoplegia (CMYO1B). Also called: MULTICORE MYOPATHY; Minicore myopathy with external ophthalmoplegia; Congenital myopathy 1B, autosomal recessive; Minicore myopathy; MULTIMINICORE DISEASE WITH EXTERNAL OPHTHALMOPLEGIA. Identifiers: Orphanet 598, Orphanet 98905, MedGen C1850674, MONDO:0009712, OMIM 255320, HP:0003789.

Allele frequency attached by ClinVar (database versions not stated): gnomAD 0.00001; gnomAD exomes 0.00001 and 0.00004; ExAC 0.00002; TOPMed 0.00002; ESP Exome Variant Server 0.00008.
gnomAD v4.1: 63 of 1,614,054 alleles (0.0039%); highest among the groups gnomAD compares: Non-Finnish European, 0.0052%; no homozygotes.

Submissions (6):

Labcorp Genetics (formerly Invitae), Labcorp
Classification: Likely benign for RYR1-related disorder. Last evaluated: 2024-03-07. Review status: criteria provided, single submitter. Criteria: Invitae Variant Classification Sherloc (09022015). Collection method: clinical testing. Allele origin: germline.

All of Us Research Program, National Institutes of Health
Classification: Likely benign for Malignant hyperthermia, susceptibility to, 1. Last evaluated: 2023-11-30. Review status: criteria provided, single submitter. Criteria: ACMG Guidelines, 2015. Collection method: clinical testing. Allele origin: germline. Inheritance: Autosomal dominant inheritance. Observed: 6 variant alleles, 6 heterozygotes.
Comment: This study involves interpretation of variants in research participants for the purpose of population health screening. Participant phenotype was not available at the time of variant classification. Additional details can be found in publication PMID: 35346344, PMCID: PMC8962531

Color Diagnostics, LLC DBA Color Health
Classification: Likely benign for Malignant hyperthermia, susceptibility to, 1. Last evaluated: 2022-11-06. Review status: criteria provided, single submitter. Criteria: ACMG Guidelines, 2015. Collection method: clinical testing. Allele origin: germline.

Illumina Laboratory Services, Illumina
Classification: Uncertain significance for Congenital multicore myopathy with external ophthalmoplegia. Last evaluated: 2017-04-27. Review status: criteria provided, single submitter. Criteria: ICSL Variant Classification Criteria 13 December 2019. Collection method: clinical testing. Allele origin: germline.

Illumina Laboratory Services, Illumina
Classification: Uncertain significance for Central core myopathy. Last evaluated: 2017-04-27. Review status: criteria provided, single submitter. Criteria: ICSL Variant Classification Criteria 13 December 2019. Collection method: clinical testing. Allele origin: germline.

Illumina Laboratory Services, Illumina
Classification: Uncertain significance for Malignant hyperthermia, susceptibility to, 1. Last evaluated: 2017-04-27. Review status: criteria provided, single submitter. Criteria: ICSL Variant Classification Criteria 13 December 2019. Collection method: clinical testing. Allele origin: germline.